The following is an entry in ClinVar:

ClinVar aggregate classification (germline): Uncertain significance (1 of 4 stars; one submission).

Submission:

Labcorp Genetics (formerly Invitae), Labcorp
Classification: Uncertain significance. Last evaluated: 2026-01-12. Review status: criteria provided, single submitter. Criteria: Invitae Variant Classification Sherloc (09022015). Collection method: clinical testing. Allele origin: germline.
Comment: This sequence change creates a premature translational stop signal (p.Ser424*) in the ZSWIM6 gene. It is expected to result in an absent or disrupted protein product. However, the current clinical and genetic evidence is not sufficient to establish whether loss-of-function variants in ZSWIM6 cause disease. This variant is not present in population databases (gnomAD no frequency). This variant has not been reported in the literature in individuals affected with ZSWIM6-related conditions. In summary, the available evidence is currently insufficient to determine the role of this variant in disease. Therefore, it has been classified as a Variant of Uncertain Significance.

NM_020928.2(ZSWIM6):c.1271C>G (p.Ser424Ter)

Gene: ZSWIM6 (zinc finger SWIM-type containing 6; plus strand). Cytogenetic location: 5q12.1.
Variant type: single nucleotide variant.
Coding change: c.1271C>G on transcript NM_020928.2 (MANE Select); coding-DNA position 1271, C replaced by G.
Protein change: p.Ser424Ter; replaces serine 424 with a stop codon.
Molecular consequence: nonsense.
Genome position (GRCh38, 1-based): chr5:61,494,348, C>G. VCF-style: chr5-61494348-C-G. GRCh37 (hg19) VCF-style: chr5-60790175-C-G.
Other names: short protein forms S424*.
Identifiers: ClinVar variation 4735243 (VCV004735243.1).
Genomic context (GRCh38, chr5:61,494,348, plus strand): 5'-CCAATGGGGCCCGCATGTTGACCTTGATAACAGAGCAATTCATGGCTGACCCTCGCCTGT[C>G]ACTTTGGCGGCAACAAGGCACTGCAATGACTGACAAATACAGGCAGCTCTGGGATGAGCT-3'